The following is an entry in ClinVar:

NM_000553.6(WRN):c.1999G>A (p.Val667Met)

Gene: WRN (WRN RecQ like helicase; plus strand). Cytogenetic location: 8p12.
Variant type: single nucleotide variant.
Coding change: c.1999G>A on transcript NM_000553.6 (MANE Select); coding-DNA position 1999, G replaced by A.
Protein change: p.Val667Met; replaces valine 667 with methionine.
Molecular consequence: missense variant.
Genome position (GRCh38, 1-based): chr8:31,100,866, G>A. VCF-style: chr8-31100866-G-A. GRCh37 (hg19) VCF-style: chr8-30958382-G-A.
Other names: short protein forms V667M.
Identifiers: ClinVar variation 857618 (VCV000857618.6), dbSNP rs748097536, ClinGen allele CA4704597.

ClinVar aggregate classification (germline): Uncertain significance (1 of 4 stars; one submission).

Conditions:
Werner syndrome (WRN). Identifiers: Orphanet 902, MedGen C0043119, MONDO:0010196, OMIM 277700.

Allele frequency attached by ClinVar (database versions not stated): gnomAD exomes 0.00001 and below 0.00001; TOPMed 0.00001; ExAC 0.00001; gnomAD 0.00001.
gnomAD v4.1: 4 of 1,613,600 alleles (0.00025%); highest among the groups gnomAD compares: African/African-American, 0.0054%; no homozygotes.

Submission:

Labcorp Genetics (formerly Invitae), Labcorp
Classification: Uncertain significance for Werner syndrome. Last evaluated: 2023-04-26. Review status: criteria provided, single submitter. Criteria: Invitae Variant Classification Sherloc (09022015). Collection method: clinical testing. Allele origin: germline.
Comment: In summary, the available evidence is currently insufficient to determine the role of this variant in disease. Therefore, it has been classified as a Variant of Uncertain Significance. An algorithm developed to predict the effect of missense changes on protein structure and function (PolyPhen-2) suggests that this variant is likely to be disruptive. ClinVar contains an entry for this variant (Variation ID: 857618). This variant has not been reported in the literature in individuals affected with WRN-related conditions. This variant is present in population databases (rs748097536, gnomAD 0.007%). This sequence change replaces valine, which is neutral and non-polar, with methionine, which is neutral and non-polar, at codon 667 of the WRN protein (p.Val667Met).